The following is an entry in ClinVar:

ClinVar aggregate classification (germline): Uncertain significance (1 of 4 stars; one submission).

Conditions:
Inborn genetic diseases. Identifiers: MedGen C0950123, MeSH D030342.

gnomAD v4.1: 6 of 1,614,066 alleles (0.00037%); highest among the groups gnomAD compares: Non-Finnish European, 0.00051%; no homozygotes.

Submission:

Ambry Genetics
Classification: Uncertain significance for Inborn genetic diseases. Last evaluated: 2022-07-11. Review status: criteria provided, single submitter. Criteria: Ambry Variant Classification Scheme 2023. Collection method: clinical testing. Allele origin: germline.
Comment: The p.G632A variant (also known as c.1895G>C), located in coding exon 12 of the EPAS1 gene, results from a G to C substitution at nucleotide position 1895. The glycine at codon 632 is replaced by alanine, an amino acid with similar properties. This amino acid position is conserved. In addition, the in silico prediction for this alteration is inconclusive. Since supporting evidence is limited at this time, the clinical significance of this alteration remains unclear.

NM_001430.5(EPAS1):c.1895G>C (p.Gly632Ala)

Gene: EPAS1 (endothelial PAS domain protein 1; plus strand). Cytogenetic location: 2p21.
Variant type: single nucleotide variant.
Coding change: c.1895G>C on transcript NM_001430.5 (MANE Select); coding-DNA position 1895, G replaced by C.
Protein change: p.Gly632Ala; replaces glycine 632 with alanine.
Molecular consequence: missense variant.
Genome position (GRCh38, 1-based): chr2:46,380,567, G>C. VCF-style: chr2-46380567-G-C. GRCh37 (hg19) VCF-style: chr2-46607706-G-C.
Other names: short protein forms G632A.
Identifiers: ClinVar variation 1782141 (VCV001782141.2), dbSNP rs972229509, ClinGen allele CA46566991.